The following is an entry in ClinVar:

NM_001370259.2(MEN1):c.1018G>C (p.Ala340Pro)

Gene: MEN1 (menin 1; minus strand). Cytogenetic location: 11q13.1.
Variant type: single nucleotide variant.
Coding change: c.1018G>C on transcript NM_001370259.2 (MANE Select); coding-DNA position 1018, G replaced by C.
Protein change: p.Ala340Pro; replaces alanine 340 with proline.
Molecular consequence: missense variant.
Genome position (GRCh38, 1-based): chr11:64,806,263, C>G on the plus strand (G>C on the coding strand, the complement: MEN1 is on the minus strand). VCF-style: chr11-64806263-C-G. GRCh37 (hg19) VCF-style: chr11-64573735-C-G.
Other names: c.1033G>C, p.Ala345Pro (NM_000244.4, NM_130800.3, NM_130801.3 and 3 more transcripts); c.1018G>C, p.Ala340Pro (NM_001370251.2, NM_001370260.2, NM_001370261.2 and 1 more transcripts); c.913G>C, p.Ala305Pro (NM_001370262.2, NM_001370263.2); short protein forms A340P, A345P, A305P.
Identifiers: ClinVar variation 1442583 (VCV001442583.6), dbSNP rs2136118718, ClinGen allele CA381183238.

ClinVar aggregate classification (germline): Uncertain significance (1 of 4 stars; one submission).

Conditions:
Multiple endocrine neoplasia, type 1 (MEN1). Also called: Endocrine adenomatosis multiple; MEN 1; MEA I; MEN I; WERMER SYNDROME. Identifiers: Orphanet 652, MedGen C0025267, MeSH D018761, MONDO:0007540, OMIM 131100.

Submission:

Labcorp Genetics (formerly Invitae), Labcorp
Classification: Uncertain significance for Multiple endocrine neoplasia, type 1. Last evaluated: 2021-08-07. Review status: criteria provided, single submitter. Criteria: Invitae Variant Classification Sherloc (09022015). Collection method: clinical testing. Allele origin: germline.
Comment: This variant is not present in population databases (ExAC no frequency). This sequence change replaces alanine with proline at codon 340 of the MEN1 protein (p.Ala340Pro). The alanine residue is highly conserved and there is a small physicochemical difference between alanine and proline. This variant has not been reported in the literature in individuals affected with MEN1-related conditions. Advanced modeling of protein sequence and biophysical properties (such as structural, functional, and spatial information, amino acid conservation, physicochemical variation, residue mobility, and thermodynamic stability) performed at Invitae indicates that this missense variant is expected to disrupt MEN1 protein function. In summary, the available evidence is currently insufficient to determine the role of this variant in disease. Therefore, it has been classified as a Variant of Uncertain Significance.